The following is an entry in ClinVar:

NM_006393.3(NEBL):c.2762-263T>A

Gene: NEBL (nebulette; minus strand). Cytogenetic location: 10p12.31.
Variant type: single nucleotide variant.
Coding change: c.2762-263T>A on transcript NM_006393.3 (MANE Select); 263 bases into the intron before coding-DNA position 2762, T replaced by A.
Molecular consequence: intron variant.
Genome position (GRCh38, 1-based): chr10:20,787,571, A>T on the plus strand (T>A on the coding strand, the complement: NEBL is on the minus strand). VCF-style: chr10-20787571-A-T. GRCh37 (hg19) VCF-style: chr10-21076500-A-T.
Other names: NC_000010.10:g.21076500A>T; c.422-263T>A (NM_001377326.1, NM_001377327.1, NM_001377328.1); c.530-263T>A (NM_213569.2, NM_001173484.2); c.623-263T>A (NM_001377322.1); c.473-263T>A (NM_001377324.1); c.464-263T>A (NM_001377325.1); c.482-263T>A (NM_001377323.1).
Identifiers: ClinVar variation 671229 (VCV000671229.2), dbSNP rs2296608, ClinGen allele CA203252985.
Genomic context (GRCh38, chr10:20,787,571, plus strand): 5'-TCAGCTTAGCATGCAGTTAAATATGCTTTAAATATTCTTGTGGCTCTATTGCAGATGCTC[A>T]GTTAAAAACATAAACAAAAATTTTTCATACTCCCTTAATGAAATCATGTTTTTATTCGAC-3'

ClinVar aggregate classification (germline): Likely benign (1 of 4 stars; one submission).

Allele frequency attached by ClinVar (database versions not stated): gnomAD 0.01453 and 0.01475; TOPMed 0.01683; 1000 Genomes Project 0.02476; 1000 Genomes Project 30x 0.02530.
gnomAD v4.1: 2,188 of 151,328 alleles (1.4%); highest among the groups gnomAD compares: East Asian, 5%; 52 homozygotes.

Submissions (2):

GeneDx
Classification: Likely benign. Last evaluated: 2018-06-14. Review status: criteria provided, single submitter. Criteria: GeneDx Variant Classification (06012015). Collection method: clinical testing. Allele origin: germline. Affected: yes.
Comment: This variant is considered likely benign or benign based on one or more of the following criteria: it is a conservative change, it occurs at a poorly conserved position in the protein, it is predicted to be benign by multiple in silico algorithms, and/or has population frequency not consistent with disease.

Dr. Peter K. Rogan Lab, Western University
No classification provided (evidence only). Condition: Cervical cancer. Review status: no classification provided. Collection method: in vitro. Allele origin: not applicable. Functional consequence: retained intron. Not counted in ClinVar's aggregate classification.